The following is an entry in ClinVar:

ClinVar aggregate classification (germline): Uncertain significance (1 of 4 stars; one submission).

Allele frequency attached by ClinVar (database versions not stated): gnomAD exomes below 0.00001 and 0.00001; TOPMed below 0.00001.
gnomAD v4.1: 3 of 1,613,320 alleles (0.00019%); highest among the groups gnomAD compares: Admixed American, 0.0017%; no homozygotes.

Submission:

Labcorp Genetics (formerly Invitae), Labcorp
Classification: Uncertain significance. Last evaluated: 2021-01-08. Review status: criteria provided, single submitter. Criteria: Invitae Variant Classification Sherloc (09022015). Collection method: clinical testing. Allele origin: germline.
Comment: In summary, the available evidence is currently insufficient to determine the role of this variant in disease. Therefore, it has been classified as a Variant of Uncertain Significance. Algorithms developed to predict the effect of missense changes on protein structure and function (SIFT, PolyPhen-2, Align-GVGD) all suggest that this variant is likely to be disruptive, but these predictions have not been confirmed by published functional studies and their clinical significance is uncertain. This variant has not been reported in the literature in individuals with STX3-related conditions. This variant is not present in population databases (ExAC no frequency). This sequence change replaces asparagine with isoleucine at codon 173 of the STX3 protein (p.Asn173Ile). The asparagine residue is highly conserved and there is a large physicochemical difference between asparagine and isoleucine.

NM_004177.5(STX3):c.518A>T (p.Asn173Ile)

Gene: STX3 (syntaxin 3; plus strand). Cytogenetic location: 11q12.1.
Variant type: single nucleotide variant.
Coding change: c.518A>T on transcript NM_004177.5 (MANE Select); coding-DNA position 518, A replaced by T.
Protein change: p.Asn173Ile; replaces asparagine 173 with isoleucine.
Molecular consequence: missense variant.
Genome position (GRCh38, 1-based): chr11:59,793,150, A>T. VCF-style: chr11-59793150-A-T. GRCh37 (hg19) VCF-style: chr11-59560623-A-T.
Other names: c.518A>T, p.Asn173Ile (NM_001178040.3); short protein forms N173I.
Identifiers: ClinVar variation 1468675 (VCV001468675.6), dbSNP rs894214332, ClinGen allele CA223234300.